The following is an entry in ClinVar:

ClinVar aggregate classification (germline): Uncertain significance (1 of 4 stars; one submission).

Allele frequency attached by ClinVar (database versions not stated): TOPMed below 0.00001; gnomAD 0.00001; gnomAD exomes 0.00001.

Submission:

Labcorp Genetics (formerly Invitae), Labcorp
Classification: Uncertain significance. Last evaluated: 2022-12-04. Review status: criteria provided, single submitter. Criteria: Invitae Variant Classification Sherloc (09022015). Collection method: clinical testing. Allele origin: germline.
Comment: In summary, the available evidence is currently insufficient to determine the role of this variant in disease. Therefore, it has been classified as a Variant of Uncertain Significance. Advanced modeling of protein sequence and biophysical properties (such as structural, functional, and spatial information, amino acid conservation, physicochemical variation, residue mobility, and thermodynamic stability) performed at Invitae indicates that this missense variant is not expected to disrupt PMPCA protein function. This variant has not been reported in the literature in individuals affected with PMPCA-related conditions. This variant is present in population databases (no rsID available, gnomAD 0.006%). This sequence change replaces proline, which is neutral and non-polar, with leucine, which is neutral and non-polar, at codon 276 of the PMPCA protein (p.Pro276Leu).

NM_015160.3(PMPCA):c.827C>T (p.Pro276Leu)

Genes: PMPCA (peptidase, mitochondrial processing subunit alpha; plus strand), LOC126860792 (CDK7 strongly-dependent group 2 enhancer GRCh37_chr9:139310410-139311609; plus strand). Cytogenetic location: 9q34.3.
Variant type: single nucleotide variant.
Coding change: c.827C>T on transcript NM_015160.3 (MANE Select); coding-DNA position 827, C replaced by T.
Protein change: p.Pro276Leu; replaces proline 276 with leucine.
Molecular consequence: missense variant.
Genome position (GRCh38, 1-based): chr9:136,417,144, C>T. VCF-style: chr9-136417144-C-T. GRCh37 (hg19) VCF-style: chr9-139311596-C-T.
Other names: c.434C>T, p.Pro145Leu (NM_001282944.2); c.527C>T, p.Pro176Leu (NM_001282946.2); short protein forms P276L, P145L, P176L.
Identifiers: ClinVar variation 2995312 (VCV002995312.3), dbSNP rs1470108417, ClinGen allele CA375554522.